The following is an entry in ClinVar:

ClinVar aggregate classification (germline): Uncertain significance. Review status: criteria provided, multiple submitters, no conflicts (2 of 4 stars). 2 submissions from 2 submitters: Uncertain significance (2). Last evaluated 2025-10-27.

Allele frequency attached by ClinVar (database versions not stated): gnomAD exomes below 0.00001.
gnomAD v4.1: 2 of 1,518,504 alleles (0.00013%); highest among the groups gnomAD compares: Admixed American, 0.0024%; no homozygotes.

Submissions (2):

Labcorp Genetics (formerly Invitae), Labcorp
Classification: Uncertain significance. Last evaluated: 2025-10-27. Review status: criteria provided, single submitter. Criteria: Invitae Variant Classification Sherloc (09022015). Collection method: clinical testing. Allele origin: germline.
Comment: This sequence change replaces leucine, which is neutral and non-polar, with glutamine, which is neutral and polar, at codon 130 of the TCF3 protein (p.Leu130Gln). The frequency data for this variant in the population databases is considered unreliable, as metrics indicate poor data quality at this position in the gnomAD database. This variant has not been reported in the literature in individuals affected with TCF3-related conditions. ClinVar contains an entry for this variant (Variation ID: 2957597). Invitae Evidence Modeling of protein sequence and biophysical properties (such as structural, functional, and spatial information, amino acid conservation, physicochemical variation, residue mobility, and thermodynamic stability) indicates that this missense variant is not expected to disrupt TCF3 protein function with a negative predictive value of 80%. In summary, the available evidence is currently insufficient to determine the role of this variant in disease. Therefore, it has been classified as a Variant of Uncertain Significance.

Breakthrough Genomics
Classification: Uncertain significance. Review status: criteria provided, single submitter. Criteria: ACMG Guidelines, 2015. Collection method: not provided. Allele origin: germline. Inheritance: Autosomal recessive inheritance. Affected: yes.

NM_003200.5(TCF3):c.389T>A (p.Leu130Gln)

Gene: TCF3 (transcription factor 3; minus strand). Cytogenetic location: 19p13.3.
Variant type: single nucleotide variant.
Coding change: c.389T>A on transcript NM_003200.5 (MANE Select); coding-DNA position 389, T replaced by A.
Protein change: p.Leu130Gln; replaces leucine 130 with glutamine.
Molecular consequence: missense variant.
Genome position (GRCh38, 1-based): chr19:1,625,686, A>T on the plus strand (T>A on the coding strand, the complement: TCF3 is on the minus strand). VCF-style: chr19-1625686-A-T. GRCh37 (hg19) VCF-style: chr19-1625685-A-T.
Other names: c.389T>A, p.Leu130Gln (NM_001136139.4, NM_001351778.2, NM_001351779.2); short protein forms L130Q.
Identifiers: ClinVar variation 2957597 (VCV002957597.4), dbSNP rs1395209793, ClinGen allele CA403057261.